The following is an entry in ClinVar:

NM_001324418.2(ADAM22):c.1767A>G (p.Thr589=)

Gene: ADAM22 (ADAM metallopeptidase domain 22; plus strand). Cytogenetic location: 7q21.12.
Variant type: single nucleotide variant.
Coding change: c.1767A>G on transcript NM_001324418.2 (MANE Select); coding-DNA position 1767, A replaced by G.
Protein change: p.Thr589=; no amino-acid change (threonine 589 retained).
Molecular consequence: synonymous variant.
Genome position (GRCh38, 1-based): chr7:88,153,306, A>G. VCF-style: chr7-88153306-A-G. GRCh37 (hg19) VCF-style: chr7-87782621-A-G.
Other names: c.1764A>G, p.Thr588= (NM_001324417.2, NM_001324419.2, NM_001391978.1 and 2 more transcripts); c.1767A>G, p.Thr589= (NM_001324420.2, NM_001324421.2, NM_001391976.1 and 6 more transcripts); c.1818A>G, p.Thr606= (NM_001391975.1, NM_001391980.1); c.1743A>G, p.Thr581= (NM_001391982.1).
Identifiers: ClinVar variation 3057473 (VCV003057473.2), dbSNP rs771586983, ClinGen allele CA162125008.

ClinVar aggregate classification (germline): Likely benign (0 of 4 stars; one submission).

Conditions:
ADAM22-related disorder. Also called: ADAM22-related condition.

Allele frequency attached by ClinVar (database versions not stated): gnomAD exomes below 0.00001; gnomAD 0.00002; TOPMed 0.00003.
gnomAD v4.1: 5 of 1,613,122 alleles (0.00031%); highest among the groups gnomAD compares: Admixed American, 0.0033%; no homozygotes.

Submission:

PreventionGenetics, part of Exact Sciences
Classification: Likely benign for ADAM22-related condition. Last evaluated: 2019-02-28. Review status: no assertion criteria provided. Collection method: clinical testing. Allele origin: germline.
Comment: This variant is classified as likely benign based on ACMG/AMP sequence variant interpretation guidelines (Richards et al. 2015 PMID: 25741868, with internal and published modifications).